The following is an entry in ClinVar:

NM_198253.3(TERT):c.2885G>C (p.Arg962Pro)

Gene: TERT (telomerase reverse transcriptase; minus strand). Cytogenetic location: 5p15.33.
Variant type: single nucleotide variant.
Coding change: c.2885G>C on transcript NM_198253.3 (MANE Select); coding-DNA position 2885, G replaced by C.
Protein change: p.Arg962Pro; replaces arginine 962 with proline.
Molecular consequence: missense variant. On other transcripts: non-coding transcript variant (2).
Genome position (GRCh38, 1-based): chr5:1,260,559, C>G on the plus strand (G>C on the coding strand, the complement: TERT is on the minus strand). VCF-style: chr5-1260559-C-G. GRCh37 (hg19) VCF-style: chr5-1260674-C-G.
Other names: c.2696G>C, p.Arg899Pro (NM_001193376.3); c.2885G>C, p.Arg962Pro (NM_003219.1); short protein forms R899P, R962P.
Identifiers: ClinVar variation 3238584 (VCV003238584.1), dbSNP rs759490631.

ClinVar aggregate classification (germline): Uncertain significance (1 of 4 stars; one submission).

Conditions:
Dyskeratosis congenita. Identifiers: Orphanet 1775, MedGen C0265965, MONDO:0015780.

Submission:

Ambry Genetics
Classification: Uncertain significance for Dyskeratosis congenita. Last evaluated: 2023-04-11. Review status: criteria provided, single submitter. Criteria: Ambry Variant Classification Scheme 2023. Collection method: clinical testing. Allele origin: germline.
Comment: The p.R962P variant (also known as c.2885G>C), located in coding exon 12 of the TERT gene, results from a G to C substitution at nucleotide position 2885. The arginine at codon 962 is replaced by proline, an amino acid with dissimilar properties. This amino acid position is conserved. In addition, this alteration is predicted to be tolerated by in silico analysis. Since supporting evidence is limited at this time, the clinical significance of this alteration remains unclear.